The following is an entry in ClinVar:

ClinVar aggregate classification (germline): Uncertain significance. Review status: criteria provided, multiple submitters, no conflicts (2 of 4 stars). 3 submissions from 3 submitters: Uncertain significance (3). Last evaluated 2024-03-27.

Conditions:
Ataxia-telangiectasia syndrome (AT). Also called: Ataxia-telangiectasia, complementation group D; AT, COMPLEMENTATION GROUP C; Ataxia telangiectasia (A-T); Cerebello-oculocutaneous telangiectasia; Immunodeficiency with ataxia telangiectasia; Ataxia-telangiectasia. Identifiers: Orphanet 100, MedGen C0004135, MONDO:0008840, OMIM 208900.
Hereditary cancer-predisposing syndrome. Also called: Neoplastic Syndromes, Hereditary; Hereditary neoplastic syndrome; Tumor predisposition; Hereditary Cancer Syndrome. Identifiers: Orphanet 140162, MedGen C0027672, MeSH D009386, MONDO:0015356.

Submissions (3):

Ambry Genetics
Classification: Uncertain significance for Hereditary cancer-predisposing syndrome. Last evaluated: 2024-03-27. Review status: criteria provided, single submitter. Criteria: Ambry Variant Classification Scheme 2023. Collection method: clinical testing. Allele origin: germline.
Comment: The p.E871G variant (also known as c.2612A>G), located in coding exon 16 of the ATM gene, results from an A to G substitution at nucleotide position 2612. The glutamic acid at codon 871 is replaced by glycine, an amino acid with similar properties. This amino acid position is not well conserved in available vertebrate species. In addition, this alteration is predicted to be tolerated by in silico analysis. Based on the available evidence, the clinical significance of this alteration remains unclear.

Mendelics
Classification: Uncertain significance. Last evaluated: 2022-05-04. Review status: criteria provided, single submitter. Criteria: Mendelics Assertion Criteria 2019. Collection method: clinical testing. Allele origin: germline.

Labcorp Genetics (formerly Invitae), Labcorp
Classification: Uncertain significance for Ataxia-telangiectasia syndrome. Last evaluated: 2021-07-21. Review status: criteria provided, single submitter. Criteria: Invitae Variant Classification Sherloc (09022015). Collection method: clinical testing. Allele origin: germline.
Comment: Algorithms developed to predict the effect of missense changes on protein structure and function are either unavailable or do not agree on the potential impact of this missense change (SIFT: "Deleterious"; PolyPhen-2: "Benign"; Align-GVGD: "Class C0"). This variant has not been reported in the literature in individuals with ATM-related conditions. This variant is not present in population databases (ExAC no frequency). This sequence change replaces glutamic acid with glycine at codon 871 of the ATM protein (p.Glu871Gly). The glutamic acid residue is moderately conserved and there is a moderate physicochemical difference between glutamic acid and glycine. In summary, the available evidence is currently insufficient to determine the role of this variant in disease. Therefore, it has been classified as a Variant of Uncertain Significance.

NM_000051.4(ATM):c.2612A>G (p.Glu871Gly)

Gene: ATM (ATM serine/threonine kinase; plus strand). Cytogenetic location: 11q22.3.
Variant type: single nucleotide variant.
Coding change: c.2612A>G on transcript NM_000051.4 (MANE Select); coding-DNA position 2612, A replaced by G.
Protein change: p.Glu871Gly; replaces glutamic acid 871 with glycine.
Molecular consequence: missense variant.
Genome position (GRCh38, 1-based): chr11:108,267,316, A>G. VCF-style: chr11-108267316-A-G. GRCh37 (hg19) VCF-style: chr11-108138043-A-G.
Other names: c.2612A>G, p.Glu871Gly (NM_001351834.2); short protein forms E871G.
Identifiers: ClinVar variation 845539 (VCV000845539.12), dbSNP rs2081311812, ClinGen allele CA382544185.